The following is an entry in ClinVar:

NM_002230.4(JUP):c.344G>A (p.Arg115Gln)

Gene: JUP (junction plakoglobin; minus strand). Cytogenetic location: 17q21.2.
Variant type: single nucleotide variant.
Coding change: c.344G>A on transcript NM_002230.4 (MANE Select); coding-DNA position 344, G replaced by A.
Protein change: p.Arg115Gln; replaces arginine 115 with glutamine.
Molecular consequence: missense variant.
Genome position (GRCh38, 1-based): chr17:41,769,542, C>T on the plus strand (G>A on the coding strand, the complement: JUP is on the minus strand). VCF-style: chr17-41769542-C-T. GRCh37 (hg19) VCF-style: chr17-39925794-C-T.
Other names: c.344G>A, p.Arg115Gln (NM_001352773.2, NM_001352774.2, NM_001352775.2 and 3 more transcripts); c.344G>A (NM_002230.3); short protein forms R115Q.
Identifiers: ClinVar variation 1395108 (VCV001395108.6), dbSNP rs369722007, ClinGen allele CA8565518.

ClinVar aggregate classification (germline): Uncertain significance. Review status: criteria provided, multiple submitters, no conflicts (2 of 4 stars). 2 submissions from 2 submitters: Uncertain significance (2). Last evaluated 2025-04-09.

Conditions:
Cardiovascular phenotype. Identifiers: MedGen CN230736.
Arrhythmogenic right ventricular dysplasia 12. Also called: ARRHYTHMOGENIC RIGHT VENTRICULAR DYSPLASIA, FAMILIAL, 12. Identifiers: MedGen C1969081, MONDO:0012684, OMIM 611528.
Naxos disease (NXD). Also called: CARDIOMYOPATHY, ARRHYTHMOGENIC RIGHT VENTRICULAR, WITH SKIN, HAIR, AND NAIL ABNORMALITIES; KERATOSIS PALMOPLANTARIS WITH ARRHYTHMOGENIC CARDIOMYOPATHY; MAL DE NAXOS; PALMOPLANTAR KERATODERMA WITH ARRHYTHMOGENIC RIGHT VENTRICULAR CARDIOMYOPATHY AND WOOLLY HAIR; WOOLLY HAIR, PALMOPLANTAR KERATODERMA, AND CARDIAC ABNORMALITIES. Identifiers: Orphanet 34217, MedGen C1832600, MONDO:0011017, OMIM 601214.

Allele frequency attached by ClinVar (database versions not stated): gnomAD 0.00001; ExAC 0.00002; gnomAD exomes 0.00002; TOPMed 0.00002; ESP Exome Variant Server 0.00008.
gnomAD v4.1: 29 of 1,609,486 alleles (0.0018%); highest among the groups gnomAD compares: Middle Eastern, 0.016%; no homozygotes.

Submissions (2):

Molecular Diagnostic Laboratory for Inherited Cardiovascular Disease, Montreal Heart Institute
Classification: Uncertain significance for Cardiovascular phenotype. Last evaluated: 2025-04-09. Review status: criteria provided, single submitter. Criteria: ACMG Guidelines, 2015. Collection method: clinical testing. Allele origin: germline. Affected: yes.
Comment: PM2

Labcorp Genetics (formerly Invitae), Labcorp
Classification: Uncertain significance for Arrhythmogenic right ventricular dysplasia 12; Naxos disease. Last evaluated: 2022-08-21. Review status: criteria provided, single submitter. Criteria: Invitae Variant Classification Sherloc (09022015). Collection method: clinical testing. Allele origin: germline.
Comment: This sequence change replaces arginine, which is basic and polar, with glutamine, which is neutral and polar, at codon 115 of the JUP protein (p.Arg115Gln). This variant is present in population databases (rs369722007, gnomAD 0.006%). This variant has not been reported in the literature in individuals affected with JUP-related conditions. ClinVar contains an entry for this variant (Variation ID: 1395108). Algorithms developed to predict the effect of missense changes on protein structure and function (SIFT, PolyPhen-2, Align-GVGD) all suggest that this variant is likely to be tolerated. In summary, the available evidence is currently insufficient to determine the role of this variant in disease. Therefore, it has been classified as a Variant of Uncertain Significance.